The following is an entry in ClinVar:

NM_014141.6(CNTNAP2):c.1566G>A (p.Gln522=)

Gene: CNTNAP2 (contactin associated protein 2; plus strand). Cytogenetic location: 7q35.
Variant type: single nucleotide variant.
Coding change: c.1566G>A on transcript NM_014141.6 (MANE Select); coding-DNA position 1566, G replaced by A.
Protein change: p.Gln522=; no amino-acid change (glutamine 522 retained).
Molecular consequence: synonymous variant.
Genome position (GRCh38, 1-based): chr7:147,395,676, G>A. VCF-style: chr7-147395676-G-A. GRCh37 (hg19) VCF-style: chr7-147092768-G-A.
Other names: p.Q522Q:CAG>CAA.
Identifiers: ClinVar variation 136813 (VCV000136813.21), dbSNP rs535454043, ClinGen allele CA290169.

ClinVar aggregate classification (germline): Conflicting classifications of pathogenicity. Review status: criteria provided, conflicting classifications (1 of 4 stars). 5 submissions from 5 submitters: Uncertain significance (1); Benign (2); Likely benign (2). Last evaluated 2026-02-03.

Conditions:
Inborn genetic diseases. Identifiers: MedGen C0950123, MeSH D030342.
Cortical dysplasia-focal epilepsy syndrome (PTHSL1). Also called: Pitt-Hopkins-like syndrome 1. Identifiers: Orphanet 163681, Orphanet 221150, MedGen C2750246, MONDO:0012400, OMIM 610042.

Allele frequency attached by ClinVar (database versions not stated): gnomAD below 0.00001 and 0.00014; TOPMed 0.00001; 1000 Genomes Project 0.00120; 1000 Genomes Project 30x 0.00141.
gnomAD v4.1: 338 of 1,612,590 alleles (0.021%); highest among the groups gnomAD compares: South Asian, 0.35%; 5 homozygotes.

Submissions (5):

Labcorp Genetics (formerly Invitae), Labcorp
Classification: Benign for Cortical dysplasia-focal epilepsy syndrome. Last evaluated: 2026-02-03. Review status: criteria provided, single submitter. Criteria: Invitae Variant Classification Sherloc (09022015). Collection method: clinical testing. Allele origin: germline.

Ambry Genetics
Classification: Likely benign for Inborn genetic diseases. Last evaluated: 2017-12-17. Review status: criteria provided, single submitter. Criteria: Ambry Variant Classification Scheme 2023. Collection method: clinical testing. Allele origin: germline.

Eurofins Ntd Llc (ga)
Classification: Likely benign. Last evaluated: 2015-09-28. Review status: criteria provided, single submitter. Criteria: EGL Classification Definitions 2015. Collection method: clinical testing. Allele origin: germline. Observed: 1 variant allele, 1 heterozygote.

Genetic Services Laboratory, University of Chicago
Classification: Uncertain significance. Last evaluated: 2015-01-15. Review status: criteria provided, single submitter. Criteria: ACMG Guidelines, 2015. Collection method: clinical testing. Allele origin: germline.

GeneDx
Classification: Benign. Last evaluated: 2013-06-28. Review status: criteria provided, single submitter. Criteria: GeneDx Variant Classification (06012015). Collection method: clinical testing. Allele origin: germline. Affected: yes.
Comment: This variant is considered likely benign or benign based on one or more of the following criteria: it is a conservative change, it occurs at a poorly conserved position in the protein, it is predicted to be benign by multiple in silico algorithms, and/or has population frequency not consistent with disease.